The following is an entry in ClinVar:

NM_002299.4(LCT):c.2944C>T (p.Arg982Trp)

Gene: LCT (lactase; minus strand). Cytogenetic location: 2q21.3.
Variant type: single nucleotide variant.
Coding change: c.2944C>T on transcript NM_002299.4 (MANE Select); coding-DNA position 2944, C replaced by T.
Protein change: p.Arg982Trp; replaces arginine 982 with tryptophan.
Molecular consequence: missense variant.
Genome position (GRCh38, 1-based): chr2:135,809,403, G>A on the plus strand (C>T on the coding strand, the complement: LCT is on the minus strand). VCF-style: chr2-135809403-G-A. GRCh37 (hg19) VCF-style: chr2-136566973-G-A.
Other names: short protein forms R982W.
Identifiers: ClinVar variation 5037525 (VCV005037525.1).

ClinVar aggregate classification (germline): Uncertain significance (1 of 4 stars; one submission).

gnomAD v4.1: 2 of 1,614,212 alleles (0.00012%); highest among the groups gnomAD compares: Non-Finnish European, 0.000085%; no homozygotes.

Submission:

GeneDx
Classification: Uncertain significance. Last evaluated: 2026-04-21. Review status: criteria provided, single submitter. Criteria: GeneDx Variant Classification Process June 2021. Collection method: clinical testing. Allele origin: germline.
Comment: In silico analysis supports that this missense variant has a deleterious effect on protein structure/function; Not observed at significant frequency in large population cohorts (gnomAD); Has not been previously published as pathogenic or benign to our knowledge